The following is an entry in ClinVar:

NM_138694.4(PKHD1):c.3935del (p.Asn1312fs)

Gene: PKHD1 (PKHD1 ciliary IPT domain containing fibrocystin/polyductin; minus strand). Cytogenetic location: 6p12.2.
Variant type: Deletion.
Coding change: c.3935del on transcript NM_138694.4 (MANE Select); coding-DNA position 3935, one base deleted (A; older notation c.3935delA).
Protein change: p.Asn1312fs; shifts the reading frame from asparagine 1312.
Molecular consequence: frameshift variant.
Genome position (GRCh38, 1-based): chr6:52,025,875, T deleted on the plus strand (A on the coding strand, the reverse complement: PKHD1 is on the minus strand); the first of 3 consecutive T bases (chr6:52,025,875-52,025,877); deleting any one gives the same sequence. VCF-style (leftmost placement, unchanged base first): chr6-52025874-AT-A. GRCh37 (hg19) VCF-style: chr6-51890672-AT-A.
Other names: c.3935del, p.Asn1312fs (NM_170724.3); short protein forms N1312fs.
Identifiers: ClinVar variation 5012512 (VCV005012512.1).

ClinVar aggregate classification (germline): Pathogenic (1 of 4 stars; one submission).

Conditions:
Polycystic kidney disease 4 (PKD4). Also called: POLYCYSTIC KIDNEY AND HEPATIC DISEASE 1; POLYCYSTIC KIDNEY DISEASE, INFANTILE, TYPE I; POLYCYSTIC KIDNEY DISEASE 4 WITH OR WITHOUT POLYCYSTIC LIVER DISEASE; PKD3; Autosomal Recessive Polycystic Kidney Disease – PKHD1. Identifiers: MedGen C4540575, MONDO:0033004, OMIM 263200.

Submission:

Myriad Genetics, Inc.
Classification: Pathogenic for Polycystic kidney disease 4. Last evaluated: 2023-11-22. Review status: criteria provided, single submitter. Criteria: Myriad Autosomal Dominant, Autosomal Recessive and X-Linked Classification Criteria (2023). Collection method: clinical testing. Allele origin: unknown.
Comment: NM_138694.3(PKHD1):c.3935delA(N1312Ifs*4) is expected to be pathogenic in the context of autosomal recessive polycystic kidney disease, PKHD1-related. This variant is predicted to lead to an abnormal or absent protein product due to the creation of a premature termination codon in PKHD1, a gene where loss-of-function variants are known to be pathogenic. Please note: this variant was assessed in the context of healthy population screening.